The following is an entry in ClinVar:

NM_015898.4(ZBTB7A):c.746A>C (p.Glu249Ala)

Gene: ZBTB7A (zinc finger and BTB domain containing 7A; minus strand). Cytogenetic location: 19p13.3.
Variant type: single nucleotide variant.
Coding change: c.746A>C on transcript NM_015898.4 (MANE Select); coding-DNA position 746, A replaced by C.
Protein change: p.Glu249Ala; replaces glutamic acid 249 with alanine.
Molecular consequence: missense variant.
Genome position (GRCh38, 1-based): chr19:4,054,487, T>G on the plus strand (A>C on the coding strand, the complement: ZBTB7A is on the minus strand). VCF-style: chr19-4054487-T-G. GRCh37 (hg19) VCF-style: chr19-4054485-T-G.
Other names: c.746A>C, p.Glu249Ala (NM_001317990.2); short protein forms E249A.
Identifiers: ClinVar variation 4883651 (VCV004883651.2).

ClinVar aggregate classification (germline): Uncertain significance (1 of 4 stars; one submission).

Submission:

Dasa
Classification: Uncertain significance. Last evaluated: 2025-12-23. Review status: criteria provided, single submitter. Criteria: DASA Assertion Criteria. Collection method: clinical testing. Allele origin: germline.
Comment: NM_015898.4(ZBTB7A):c.746A>C (p.Glu249Ala) is a missense variant that results in the substitution of glutamic acid with alanine. This variant is rare in population databases. Computational prediction algorithms are consistent with a benign effect. The currently available literature and clinical evidence are not sufficient to establish a definitive association between this variant and the reported condition. Therefore, this variant is classified as a variant of uncertain significance.